The following is an entry in ClinVar:

ClinVar aggregate classification (germline): Conflicting classifications of pathogenicity. Review status: criteria provided, conflicting classifications (1 of 4 stars). 2 submissions from 2 submitters: Likely pathogenic (1); Uncertain significance (1). Last evaluated 2024-03-27.

Conditions:
Cornelia de Lange syndrome 3 (CDLS3). Also called: SMC3-Related Cornelia de Lange Syndrome; CORNELIA DE LANGE SYNDROME 3 WITH OR WITHOUT MIDLINE BRAIN DEFECTS. Identifiers: Orphanet 199, MedGen C1853099, MONDO:0012555, OMIM 610759.

Submissions (2):

Labcorp Genetics (formerly Invitae), Labcorp
Classification: Uncertain significance for Cornelia de Lange syndrome 3. Last evaluated: 2024-03-27. Review status: criteria provided, single submitter. Criteria: Invitae Variant Classification Sherloc (09022015). Collection method: clinical testing. Allele origin: germline.
Comment: This sequence change replaces arginine, which is basic and polar, with proline, which is neutral and non-polar, at codon 879 of the SMC3 protein (p.Arg879Pro). This variant is not present in population databases (gnomAD no frequency). This variant has not been reported in the literature in individuals affected with SMC3-related conditions. ClinVar contains an entry for this variant (Variation ID: 212272). Advanced modeling of protein sequence and biophysical properties (such as structural, functional, and spatial information, amino acid conservation, physicochemical variation, residue mobility, and thermodynamic stability) performed at Invitae indicates that this missense variant is expected to disrupt SMC3 protein function with a positive predictive value of 80%. In summary, the available evidence is currently insufficient to determine the role of this variant in disease. Therefore, it has been classified as a Variant of Uncertain Significance.

Genetic Services Laboratory, University of Chicago
Classification: Likely pathogenic for Cornelia de Lange syndrome 3. Last evaluated: 2015-03-30. Review status: criteria provided, single submitter. Criteria: ACMG Guidelines, 2015. Collection method: clinical testing. Allele origin: germline. Affected: yes.

NM_005445.4(SMC3):c.2636G>C (p.Arg879Pro)

Gene: SMC3 (structural maintenance of chromosomes 3; plus strand). Cytogenetic location: 10q25.2.
Variant type: single nucleotide variant.
Coding change: c.2636G>C on transcript NM_005445.4 (MANE Select); coding-DNA position 2636, G replaced by C.
Protein change: p.Arg879Pro; replaces arginine 879 with proline.
Molecular consequence: missense variant.
Genome position (GRCh38, 1-based): chr10:110,601,122, G>C. VCF-style: chr10-110601122-G-C. GRCh37 (hg19) VCF-style: chr10-112360880-G-C.
Other names: short protein forms R879P.
Identifiers: ClinVar variation 212272 (VCV000212272.8), dbSNP rs797045996, ClinGen allele CA277358.
Genomic context (GRCh38, chr10:110,601,122, plus strand): 5'-TCACAGCCACAACATCAGAACTTGAAGCCATCAATAAAAGAGTAAAAGACACTATGGCAC[G>C]ATCAGAAGGTGAATTTTTATGTAGTAAAATTTTGTTTATATGCATGTTTTATAAAATTGT-3'
Protein context (NP_005436.1, residues 869-889): INKRVKDTMA[Arg879Pro]SEDLDNSIDK